The following is an entry in ClinVar:

ClinVar aggregate classification (germline): Uncertain significance (1 of 4 stars; one submission).

Conditions:
Leigh syndrome (NULS). Also called: Leigh's necrotizing encephalopathy; Leigh's disease; Leigh Syndrome (mtDNA deletion); Leigh Disease; Subacute necrotizing encephalopathy; Necrotizing encephalopathy infantile subacute of Leigh. Identifiers: Orphanet 506, MedGen C2931891, MONDO:0009723, OMIM 256000.

Submission:

Wong Mito Lab, Molecular and Human Genetics, Baylor College of Medicine
Classification: Uncertain significance for Leigh syndrome. Last evaluated: 2019-10-17. Review status: criteria provided, single submitter. Criteria: Modified ACMG Guidelines (Unpublished). Collection method: clinical testing. Allele origin: germline.
Comment: The NC_012920.1:m.12601T>C (YP_003024036.1:p.Phe89Leu) variant in MTND5 gene is interpretated to be a Uncertain Significance variant based on the modified ACMG guidelines (unpublished). This variant meets the following evidence codes: no criteria

NC_012920.1(MT-ND5):m.12601T>C

Gene: MT-ND5 (mitochondrially encoded NADH dehydrogenase 5; plus strand).
Variant type: single nucleotide variant.
Genome position: chrM-12601-T-C.
Identifiers: ClinVar variation 693468 (VCV000693468.1), dbSNP rs1603223830, ClinGen allele CA414813954.